The following is an entry in ClinVar:

ClinVar aggregate classification (germline): Uncertain significance. Review status: criteria provided, multiple submitters, no conflicts (2 of 4 stars). 2 submissions from 2 submitters: Uncertain significance (2). Last evaluated 2024-10-29.

Conditions:
Cenani-Lenz syndactyly syndrome. Also called: SYNDACTYLY, TYPE VII; CENANI SYNDACTYLISM. Identifiers: Orphanet 3258, MedGen C1859309, MONDO:0008931, OMIM 212780.
Sclerosteosis 2 (SOST2). Identifiers: Orphanet 3152, MedGen C3280402, MONDO:0013679, OMIM 614305.
Congenital myasthenic syndrome 17. Identifiers: Orphanet 590, MedGen C4225377, MONDO:0014578, OMIM 616304.

Allele frequency attached by ClinVar (database versions not stated): gnomAD exomes 0.00001; ExAC 0.00002.

Submissions (2):

Labcorp Genetics (formerly Invitae), Labcorp
Classification: Uncertain significance for Cenani-Lenz syndactyly syndrome; Sclerosteosis 2; Congenital myasthenic syndrome 17. Last evaluated: 2024-10-29. Review status: criteria provided, single submitter. Criteria: Invitae Variant Classification Sherloc (09022015). Collection method: clinical testing. Allele origin: germline.
Comment: This sequence change affects codon 1179 of the LRP4 mRNA. It is a 'silent' change, meaning that it does not change the encoded amino acid sequence of the LRP4 protein. It affects a nucleotide within the consensus splice site. This variant is present in population databases (rs767837337, gnomAD 0.003%). This variant has not been reported in the literature in individuals affected with LRP4-related conditions. ClinVar contains an entry for this variant (Variation ID: 1501859). Algorithms developed to predict the effect of sequence changes on RNA splicing suggest that this variant is not likely to affect RNA splicing. In summary, the available evidence is currently insufficient to determine the role of this variant in disease. Therefore, it has been classified as a Variant of Uncertain Significance.

Fulgent Genetics
Classification: Uncertain significance for Cenani-Lenz syndactyly syndrome; Sclerosteosis 2; Congenital myasthenic syndrome 17. Last evaluated: 2021-07-06. Review status: criteria provided, single submitter. Criteria: ACMG Guidelines, 2015. Collection method: clinical testing. Allele origin: unknown.

NM_002334.4(LRP4):c.3537G>T (p.Gly1179=)

Gene: LRP4 (LDL receptor related protein 4; minus strand). Cytogenetic location: 11p11.2.
Variant type: single nucleotide variant.
Coding change: c.3537G>T on transcript NM_002334.4 (MANE Select); coding-DNA position 3537, G replaced by T.
Protein change: p.Gly1179=; no amino-acid change (glycine 1179 retained).
Molecular consequence: synonymous variant.
Genome position (GRCh38, 1-based): chr11:46,875,966, C>A on the plus strand (G>T on the coding strand, the complement: LRP4 is on the minus strand). VCF-style: chr11-46875966-C-A. GRCh37 (hg19) VCF-style: chr11-46897517-C-A.
Identifiers: ClinVar variation 1501859 (VCV001501859.7), dbSNP rs767837337, ClinGen allele CA5969551.